The following is an entry in ClinVar:

ClinVar aggregate classification (germline): Uncertain significance. Review status: criteria provided, single submitter (1 of 4 stars). 2 submissions from 2 submitters: Uncertain significance (1). 1 of the submissions does not count toward it. Last evaluated 2024-03-29.

Conditions:
Atypical hemolytic-uremic syndrome with I factor anomaly. Also called: HEMOLYTIC UREMIC SYNDROME, ATYPICAL, SUSCEPTIBILITY TO, 3; AHUS, SUSCEPTIBILITY TO, 3. Identifiers: Orphanet 2134, MedGen C2752039, MONDO:0013041, OMIM 612923.

gnomAD v4.1: 2 of 1,609,970 alleles (0.00012%); highest among the groups gnomAD compares: South Asian, 0.0022%; no homozygotes.

Submissions (2):

Labcorp Genetics (formerly Invitae), Labcorp
Classification: Uncertain significance. Last evaluated: 2024-03-29. Review status: criteria provided, single submitter. Criteria: Invitae Variant Classification Sherloc (09022015). Collection method: clinical testing. Allele origin: germline.
Comment: This sequence change replaces threonine, which is neutral and polar, with isoleucine, which is neutral and non-polar, at codon 387 of the CFI protein (p.Thr387Ile). This variant is not present in population databases (gnomAD no frequency). This variant has not been reported in the literature in individuals affected with CFI-related conditions. ClinVar contains an entry for this variant (Variation ID: 829989). Advanced modeling of protein sequence and biophysical properties (such as structural, functional, and spatial information, amino acid conservation, physicochemical variation, residue mobility, and thermodynamic stability) performed at Invitae indicates that this missense variant is not expected to disrupt CFI protein function with a negative predictive value of 80%. In summary, the available evidence is currently insufficient to determine the role of this variant in disease. Therefore, it has been classified as a Variant of Uncertain Significance.

Bioscientia Institut fuer Medizinische Diagnostik GmbH, Sonic Healthcare
Classification: Uncertain significance for Atypical hemolytic-uremic syndrome with I factor anomaly. Last evaluated: 2019-07-02. Review status: no assertion criteria provided. Collection method: clinical testing. Allele origin: germline. Affected: yes. Not counted in ClinVar's aggregate classification.

NM_000204.5(CFI):c.1160C>T (p.Thr387Ile)

Gene: CFI (complement factor I; minus strand). Cytogenetic location: 4q25.
Variant type: single nucleotide variant.
Coding change: c.1160C>T on transcript NM_000204.5 (MANE Select); coding-DNA position 1160, C replaced by T.
Protein change: p.Thr387Ile; replaces threonine 387 with isoleucine.
Molecular consequence: missense variant. On other transcripts: non-coding transcript variant (2).
Genome position (GRCh38, 1-based): chr4:109,746,491, G>A on the plus strand (C>T on the coding strand, the complement: CFI is on the minus strand). VCF-style: chr4-109746491-G-A. GRCh37 (hg19) VCF-style: chr4-110667647-G-A.
Other names: c.1139C>T, p.Thr380Ile (NM_001331035.2, NM_001375280.1, NM_001375282.1); c.1184C>T, p.Thr395Ile (NM_001375278.1, NM_001318057.2); c.1160C>T, p.Thr387Ile (NM_001375279.1, NM_001375281.1); c.1103C>T, p.Thr368Ile (NM_001375283.1); c.551C>T, p.Thr184Ile (NM_001375284.1); short protein forms T184I, T368I, T395I, T387I, T380I.
Identifiers: ClinVar variation 829989 (VCV000829989.5), dbSNP rs1373768125, ClinGen allele CA357857740.